The following is an entry in ClinVar:

NM_006767.4(LZTR1):c.192G>A (p.Val64=)

Gene: LZTR1 (leucine zipper like post translational regulator 1; plus strand). Cytogenetic location: 22q11.21.
Variant type: single nucleotide variant.
Coding change: c.192G>A on transcript NM_006767.4 (MANE Select); coding-DNA position 192, G replaced by A.
Protein change: p.Val64=; no amino-acid change (valine 64 retained).
Molecular consequence: synonymous variant.
Genome position (GRCh38, 1-based): chr22:20,982,563, G>A. VCF-style: chr22-20982563-G-A. GRCh37 (hg19) VCF-style: chr22-21336852-G-A.
Identifiers: ClinVar variation 1782847 (VCV001782847.5), dbSNP rs754088177, ClinGen allele CA322316246.

ClinVar aggregate classification (germline): Uncertain significance. Review status: criteria provided, multiple submitters, no conflicts (2 of 4 stars). 2 submissions from 2 submitters: Uncertain significance (2). Last evaluated 2025-11-04.

Conditions:
Hereditary cancer-predisposing syndrome. Also called: Neoplastic Syndromes, Hereditary; Tumor predisposition; Hereditary Cancer Syndrome; Hereditary neoplastic syndrome. Identifiers: Orphanet 140162, MedGen C0027672, MeSH D009386, MONDO:0015356.
Cardiovascular phenotype. Identifiers: MedGen CN230736.

Submissions (2):

Ambry Genetics
Classification: Uncertain significance for Cardiovascular phenotype; Hereditary cancer-predisposing syndrome. Last evaluated: 2025-11-04. Review status: criteria provided, single submitter. Criteria: Ambry Variant Classification Scheme 2023. Collection method: clinical testing. Allele origin: germline.
Comment: The c.192G>A variant (also known as p.V64V) is located in coding exon 1 of the LZTR1 gene. This variant results from a G to A substitution at nucleotide position 192. This nucleotide substitution does not change the amino acid at codon 64. This nucleotide position is not well conserved in available vertebrate species. In silico splice site analysis predicts that this alteration will result in the creation or strengthening of a novel splice donor site. Based on the available evidence, the clinical significance of this variant remains unclear.

Labcorp Genetics (formerly Invitae), Labcorp
Classification: Uncertain significance. Last evaluated: 2024-04-24. Review status: criteria provided, single submitter. Criteria: Invitae Variant Classification Sherloc (09022015). Collection method: clinical testing. Allele origin: germline.
Comment: This sequence change affects codon 64 of the LZTR1 mRNA. It is a 'silent' change, meaning that it does not change the encoded amino acid sequence of the LZTR1 protein. This variant is not present in population databases (gnomAD no frequency). This variant has not been reported in the literature in individuals affected with LZTR1-related conditions. ClinVar contains an entry for this variant (Variation ID: 1782847). Algorithms developed to predict the effect of sequence changes on RNA splicing suggest that this variant may create or strengthen a splice site. In summary, the available evidence is currently insufficient to determine the role of this variant in disease. Therefore, it has been classified as a Variant of Uncertain Significance.